The following is an entry in ClinVar:

NM_012309.5(SHANK2):c.2022G>A (p.Ala674=)

Gene: SHANK2 (SH3 and multiple ankyrin repeat domains 2; minus strand). Cytogenetic location: 11q13.4.
Variant type: single nucleotide variant.
Coding change: c.2022G>A on transcript NM_012309.5 (MANE Select); coding-DNA position 2022, G replaced by A.
Protein change: p.Ala674=; no amino-acid change (alanine 674 retained).
Molecular consequence: synonymous variant. On other transcripts: non-coding transcript variant (1).
Genome position (GRCh38, 1-based): chr11:70,659,867, C>T on the plus strand (G>A on the coding strand, the complement: SHANK2 is on the minus strand). VCF-style: chr11-70659867-C-T. GRCh37 (hg19) VCF-style: chr11-70505972-C-T.
Other names: c.258G>A, p.Ala86= (NM_001441042.1, NM_001441043.1, NM_001441044.1 and 4 more transcripts); c.2022G>A, p.Ala674= (NM_001441031.1, NM_001441032.1, NM_001441033.1 and 11 more transcripts); c.1950G>A, p.Ala650= (NM_001441038.1); c.885G>A, p.Ala295= (NM_001441040.1, NM_001441041.1, NM_001379226.1); c.2193G>A, p.Ala731= (NM_001441024.1).
Identifiers: ClinVar variation 4820982 (VCV004820982.4).

ClinVar aggregate classification (germline): Likely benign (1 of 4 stars; one submission).

gnomAD v4.1: 154 of 1,614,058 alleles (0.0095%); highest among the groups gnomAD compares: South Asian, 0.043%; 1 homozygote.

Submission:

CeGaT Center for Human Genetics Tuebingen
Classification: Likely benign. Last evaluated: 2026-07-01. Review status: criteria provided, single submitter. Criteria: CeGaT Center For Human Genetics Tuebingen Variant Classification Criteria Version 2. Collection method: clinical testing. Allele origin: germline. Affected: yes. Observed: 2 variant alleles.
Comment: SHANK2: BP4, BP7